The following is an entry in ClinVar:

ClinVar aggregate classification (germline): Uncertain significance. Review status: criteria provided, multiple submitters, no conflicts (2 of 4 stars). 2 submissions from 2 submitters: Uncertain significance (2). Last evaluated 2022-03-07.

Conditions:
Inborn genetic diseases. Identifiers: MedGen C0950123, MeSH D030342.
Familial hemiplegic migraine. Identifiers: MedGen C0338484, MONDO:0000700.

gnomAD v4.1: 6 of 1,614,186 alleles (0.00037%); highest among the groups gnomAD compares: Non-Finnish European, 0.00051%; no homozygotes.

Submissions (2):

Labcorp Genetics (formerly Invitae), Labcorp
Classification: Uncertain significance for Familial hemiplegic migraine. Last evaluated: 2022-03-07. Review status: criteria provided, single submitter. Criteria: Invitae Variant Classification Sherloc (09022015). Collection method: clinical testing. Allele origin: germline.
Comment: In summary, the available evidence is currently insufficient to determine the role of this variant in disease. Therefore, it has been classified as a Variant of Uncertain Significance. Advanced modeling of protein sequence and biophysical properties (such as structural, functional, and spatial information, amino acid conservation, physicochemical variation, residue mobility, and thermodynamic stability) performed at Invitae indicates that this missense variant is not expected to disrupt ATP1A2 protein function. ClinVar contains an entry for this variant (Variation ID: 946448). This variant has not been reported in the literature in individuals affected with ATP1A2-related conditions. This variant is present in population databases (rs371742379, gnomAD 0.002%). This sequence change replaces arginine, which is basic and polar, with serine, which is neutral and polar, at codon 976 of the ATP1A2 protein (p.Arg976Ser).

Ambry Genetics
Classification: Uncertain significance for Inborn genetic diseases. Last evaluated: 2018-07-19. Review status: criteria provided, single submitter. Criteria: Ambry Variant Classification Scheme 2023. Collection method: clinical testing. Allele origin: germline.
Comment: The p.R976S variant (also known as c.2926C>A), located in coding exon 21 of the ATP1A2 gene, results from a C to A substitution at nucleotide position 2926. The arginine at codon 976 is replaced by serine, an amino acid with dissimilar properties. This amino acid position is highly conserved in available vertebrate species. In addition, this alteration is predicted to be deleterious by in silico analysis. Since supporting evidence is limited at this time, the clinical significance of this alteration remains unclear.

NM_000702.4(ATP1A2):c.2926C>A (p.Arg976Ser)

Gene: ATP1A2 (ATPase Na+/K+ transporting subunit alpha 2; plus strand). Cytogenetic location: 1q23.2.
Variant type: single nucleotide variant.
Coding change: c.2926C>A on transcript NM_000702.4 (MANE Select); coding-DNA position 2926, C replaced by A.
Protein change: p.Arg976Ser; replaces arginine 976 with serine.
Molecular consequence: missense variant.
Genome position (GRCh38, 1-based): chr1:160,139,725, C>A. VCF-style: chr1-160139725-C-A. GRCh37 (hg19) VCF-style: chr1-160109515-C-A.
Other names: short protein forms R976S.
Identifiers: ClinVar variation 946448 (VCV000946448.11), dbSNP rs371742379, ClinGen allele CA1194875.
Genomic context (GRCh38, chr1:160,139,725, plus strand): 5'-CTGGAGGAGACGGCGTTGGCTGCCTTTCTCTCTTACTGCCCAGGCATGGGTGTAGCCCTC[C>A]GCATGTACCCGCTCAAGTGAGTGTCTCTTTCGGGCGGCCTGAGTAGTCATACGGGGGGCC-3'
Protein context (NP_000693.1, residues 966-986): SYCPGMGVAL[Arg976Ser]MYPLKVTWWF